The following is an entry in ClinVar:

NM_004370.6(COL12A1):c.8462G>A (p.Gly2821Asp)

Gene: COL12A1 (collagen type XII alpha 1 chain; minus strand). Cytogenetic location: 6q13.
Variant type: single nucleotide variant.
Coding change: c.8462G>A on transcript NM_004370.6 (MANE Select); coding-DNA position 8462, G replaced by A.
Protein change: p.Gly2821Asp; replaces glycine 2821 with aspartic acid.
Molecular consequence: missense variant.
Genome position (GRCh38, 1-based): chr6:75,102,006, C>T on the plus strand (G>A on the coding strand, the complement: COL12A1 is on the minus strand). VCF-style: chr6-75102006-C-T. GRCh37 (hg19) VCF-style: chr6-75811722-C-T.
Other names: c.8462G>A, p.Gly2821Asp (NM_001424113.1); c.8441G>A, p.Gly2814Asp (NM_001424114.1); c.8189G>A, p.Gly2730Asp (NM_001424115.1); c.4970G>A, p.Gly1657Asp (NM_001424116.1, NM_080645.3); short protein forms G1657D, G2730D, G2814D, G2821D.
Identifiers: ClinVar variation 3341060 (VCV003341060.1).

ClinVar aggregate classification (germline): Uncertain significance (1 of 4 stars; one submission).

Submission:

GeneDx
Classification: Uncertain significance. Last evaluated: 2024-01-31. Review status: criteria provided, single submitter. Criteria: GeneDx Variant Classification Process June 2021. Collection method: clinical testing. Allele origin: germline. Affected: yes.
Comment: Not observed at significant frequency in large population cohorts (gnomAD); In silico analysis supports that this missense variant has a deleterious effect on protein structure/function; Has not been previously published as pathogenic or benign to our knowledge